The following is an entry in ClinVar:

NM_005609.4(PYGM):c.2T>C (p.Met1Thr)

Gene: PYGM (glycogen phosphorylase, muscle associated; minus strand). Cytogenetic location: 11q13.1.
Variant type: single nucleotide variant.
Coding change: c.2T>C on transcript NM_005609.4 (MANE Select); coding-DNA position 2, T replaced by C.
Protein change: p.Met1Thr; changes the start codon (methionine 1).
Molecular consequence: missense variant, initiator codon variant.
Genome position (GRCh38, 1-based): chr11:64,759,897, A>G on the plus strand (T>C on the coding strand, the complement: PYGM is on the minus strand). VCF-style: chr11-64759897-A-G. GRCh37 (hg19) VCF-style: chr11-64527369-A-G.
Other names: c.2T>C, p.Met1Thr (NM_001164716.1); short protein forms M1T.
Identifiers: ClinVar variation 969270 (VCV000969270.13), dbSNP rs2058423391, ClinGen allele CA381113497.
Genomic context (GRCh38, chr11:64,759,897, plus strand): 5'-CCGGCCAGGCCACGCACACTGATTTGCTTTCTTTTCTCTTGGTCTGACAGGGGCCGGGAC[A>G]TGGCTGCAGGAGGGCGGGCCGGACTGGACTGATGGTAGAGGGGACGGCGGCCTCAGCACT-3'
Protein context (NP_005600.1, residues 1-11): [Met1Thr]SRPLSDQEKR

ClinVar aggregate classification (germline): Likely pathogenic. Review status: criteria provided, single submitter (1 of 4 stars). 2 submissions from 2 submitters: Likely pathogenic (1). 1 of the submissions does not count toward it. Last evaluated 2019-09-28.

Conditions:
Glycogen storage disease, type V (GSD5). Also called: MCARDLE DISEASE; MUSCLE GLYCOGEN PHOSPHORYLASE DEFICIENCY; MYOPHOSPHORYLASE DEFICIENCY; PYGM DEFICIENCY; McArdle type glycogen storage disease. Identifiers: Orphanet 368, MedGen C0017924, MONDO:0009293, OMIM 232600.

Allele frequency attached by ClinVar (database versions not stated): gnomAD exomes below 0.00001.

Submissions (2):

Labcorp Genetics (formerly Invitae), Labcorp
Classification: Likely pathogenic for Glycogen storage disease, type V. Last evaluated: 2019-09-28. Review status: criteria provided, single submitter. Criteria: Invitae Variant Classification Sherloc (09022015). Collection method: clinical testing. Allele origin: germline.
Comment: In summary, the currently available evidence indicates that the variant is pathogenic, but additional data are needed to prove that conclusively. Therefore, this variant has been classified as Likely Pathogenic. Disruption of the initiator codon has been observed in individuals affected with glycogen storage disease, aka polyglucosan body myopathy (PMID: 7951262, 9506549, 25740218). This variant is not present in population databases (ExAC no frequency). This sequence change affects the initiator methionine of the PYGM mRNA. The next in-frame methionine is located at codon 92.

Natera, Inc.
Classification: Likely pathogenic for Glycogen storage disease V. Last evaluated: 2020-10-30. Review status: no assertion criteria provided. Collection method: clinical testing. Allele origin: germline. Not counted in ClinVar's aggregate classification.

Literature cited by the submitters: PubMed 7951262 (cited by Labcorp Genetics (formerly Invitae), Labcorp); PubMed 9506549 (cited by Labcorp Genetics (formerly Invitae), Labcorp); PubMed 25740218 (cited by Labcorp Genetics (formerly Invitae), Labcorp).